The following is an entry in ClinVar:

ClinVar aggregate classification (germline): Pathogenic (1 of 4 stars; one submission).

Conditions:
Hereditary cancer-predisposing syndrome. Also called: Hereditary Cancer Syndrome; Hereditary neoplastic syndrome; Neoplastic Syndromes, Hereditary; Tumor predisposition. Identifiers: Orphanet 140162, MedGen C0027672, MeSH D009386, MONDO:0015356.

Submission:

Ambry Genetics
Classification: Pathogenic for Hereditary cancer-predisposing syndrome. Last evaluated: 2020-09-04. Review status: criteria provided, single submitter. Criteria: Ambry Variant Classification Scheme 2023. Collection method: clinical testing. Allele origin: germline.
Comment: The c.1450_1459del10 pathogenic mutation, located in coding exon 16 of the RB1 gene, results from a deletion of 10 nucleotides at nucleotide positions 1450 to 1459, causing a translational frameshift with a predicted alternate stop codon (p.M484Wfs*8). This alteration is expected to result in loss of function by premature protein truncation or nonsense-mediated mRNA decay. As such, this alteration is interpreted as a disease-causing mutation.

NM_000321.3(RB1):c.1450_1459del (p.Met484fs)

Gene: RB1 (RB transcriptional corepressor 1; plus strand). Cytogenetic location: 13q14.2.
Variant type: Deletion.
Coding change: c.1450_1459del on transcript NM_000321.3 (MANE Select); coding-DNA positions 1450 to 1459, 10 bases deleted (ATGTCTTTAT; older notation c.1450_1459delATGTCTTTAT).
Protein change: p.Met484fs; shifts the reading frame from methionine 484.
Molecular consequence: frameshift variant.
Genome position (GRCh38, 1-based): chr13:48,380,193-48,380,202, ATGTCTTTAT deleted; deleting any 10 consecutive bases within chr13:48,380,191-48,380,202 gives the same sequence; the c. name uses the placement nearest the transcript's 3' end. VCF-style (leftmost placement, unchanged base first): chr13-48380190-CATATGTCTTT-C. GRCh37 (hg19) VCF-style: chr13-48954326-CATATGTCTTT-C.
Other names: c.1450_1459del10 (NM_000321.2); c.1450_1459delATGTCTTTAT, p.Met484Trpfs (NM_001407165.1, NM_001407166.1); short protein forms M484fs.
Identifiers: ClinVar variation 1772927 (VCV001772927.2), dbSNP rs2542204636, ClinGen allele CA2580087597.